The following is an entry in ClinVar:

NM_021067.5(GINS1):c.523-1G>C

Gene: GINS1 (GINS complex subunit 1; plus strand). Cytogenetic location: 20p11.21.
Variant type: single nucleotide variant.
Coding change: c.523-1G>C on transcript NM_021067.5 (MANE Select); the canonical splice acceptor site of the intron before coding-DNA position 523, G replaced by C.
Molecular consequence: splice acceptor variant.
Genome position (GRCh38, 1-based): chr20:25,445,922, G>C. VCF-style: chr20-25445922-G-C. GRCh37 (hg19) VCF-style: chr20-25426558-G-C.
Other names: c.406-1G>C (NM_001410830.1); c.268-1G>C (NM_001410831.1).
Identifiers: ClinVar variation 2762543 (VCV002762543.3), dbSNP rs2516069807, ClinGen allele CA408452172.

ClinVar aggregate classification (germline): Uncertain significance (1 of 4 stars; one submission).

Submission:

Labcorp Genetics (formerly Invitae), Labcorp
Classification: Uncertain significance. Last evaluated: 2025-04-21. Review status: criteria provided, single submitter. Criteria: Invitae Variant Classification Sherloc (09022015). Collection method: clinical testing. Allele origin: germline.
Comment: This sequence change falls in intron 6 of the GINS1 gene. It does not directly change the encoded amino acid sequence of the GINS1 protein. It affects a nucleotide within the consensus splice site. This variant is not present in population databases (gnomAD no frequency). This variant has not been reported in the literature in individuals affected with GINS1-related conditions. ClinVar contains an entry for this variant (Variation ID: 2762543). Variants that disrupt the consensus splice site are a relatively common cause of aberrant splicing (PMID: 17576681, 9536098). Algorithms developed to predict the effect of sequence changes on RNA splicing suggest that this variant may disrupt the consensus splice site. In summary, the available evidence is currently insufficient to determine the role of this variant in disease. Therefore, it has been classified as a Variant of Uncertain Significance.

Literature cited by the submitters: PubMed 17576681; PubMed 9536098.